The following is an entry in ClinVar:

ClinVar aggregate classification (germline): Uncertain significance (1 of 4 stars; one submission).

Allele frequency attached by ClinVar (database versions not stated): gnomAD exomes below 0.00001; TOPMed below 0.00001; gnomAD 0.00002.
gnomAD v4.1: 5 of 1,613,882 alleles (0.00031%); highest among the groups gnomAD compares: African/African-American, 0.004%; no homozygotes.

Submission:

GeneDx
Classification: Uncertain significance. Last evaluated: 2022-05-24. Review status: criteria provided, single submitter. Criteria: GeneDx Variant Classification Process June 2021. Collection method: clinical testing. Allele origin: germline. Affected: yes.
Comment: Not observed at significant frequency in large population cohorts (gnomAD); In silico analysis supports that this missense variant has a deleterious effect on protein structure/function; Has not been previously published as pathogenic or benign to our knowledge

NM_002968.3(SALL1):c.1784C>T (p.Ser595Phe)

Gene: SALL1 (spalt like transcription factor 1; minus strand). Cytogenetic location: 16q12.1.
Variant type: single nucleotide variant.
Coding change: c.1784C>T on transcript NM_002968.3 (MANE Select); coding-DNA position 1784, C replaced by T.
Protein change: p.Ser595Phe; replaces serine 595 with phenylalanine.
Molecular consequence: missense variant.
Genome position (GRCh38, 1-based): chr16:51,140,438, G>A on the plus strand (C>T on the coding strand, the complement: SALL1 is on the minus strand). VCF-style: chr16-51140438-G-A. GRCh37 (hg19) VCF-style: chr16-51174349-G-A.
Other names: c.1493C>T, p.Ser498Phe (NM_001127892.2); short protein forms S498F, S595F.
Identifiers: ClinVar variation 1800906 (VCV001800906.1), dbSNP rs1162137913, ClinGen allele CA395887416.
Genomic context (GRCh38, chr16:51,140,438, plus strand): 5'-GACCCTTCGGCTTCCTCTGGGAGCCCACCTAGGTTTCTTGTGGCTGACTCAGGGCCCCCG[G>A]AGTCACTTTTGACTGAGCCTGGGGGGCTGGTGGCAGAATGGCTGATGGGGATGGGGGCTG-3'
Protein context (NP_002959.2, residues 585-605): TSPPGSVKSD[Ser595Phe]GGPESATRNL